The following is an entry in ClinVar:

ClinVar aggregate classification (germline): Uncertain significance (1 of 4 stars; one submission).

Conditions:
Neuropathy, hereditary sensory and autonomic, type 2A (HSAN2A). Also called: HSAN IIA; MORVAN DISEASE; NEUROPATHY, CONGENITAL SENSORY; NEUROPATHY, HEREDITARY SENSORY RADICULAR, AUTOSOMAL RECESSIVE; NEUROPATHY, HEREDITARY SENSORY, TYPE IIA; NEUROPATHY, PROGRESSIVE SENSORY, OF CHILDREN. Identifiers: Orphanet 970, MedGen C2752089, MONDO:0024309, OMIM 201300.
Generalized epilepsy with febrile seizures plus, type 7 (GEFSP7). Also called: GEFS+, TYPE 7. Identifiers: Orphanet 36387, MedGen C2751778, MONDO:0013470, OMIM 613863.

Submission:

Labcorp Genetics (formerly Invitae), Labcorp
Classification: Uncertain significance for Neuropathy, hereditary sensory and autonomic, type 2A; Generalized epilepsy with febrile seizures plus, type 7. Last evaluated: 2020-03-18. Review status: criteria provided, single submitter. Criteria: Invitae Variant Classification Sherloc (09022015). Collection method: clinical testing. Allele origin: germline.
Comment: In summary, the available evidence is currently insufficient to determine the role of this variant in disease. Therefore, it has been classified as a Variant of Uncertain Significance. This sequence change replaces phenylalanine with valine at codon 1068 of the SCN9A protein (p.Phe1068Val). The phenylalanine residue is highly conserved and there is a small physicochemical difference between phenylalanine and valine. This variant is not present in population databases (ExAC no frequency). This variant has not been reported in the literature in individuals with SCN9A-related conditions. Algorithms developed to predict the effect of missense changes on protein structure and function are either unavailable or do not agree on the potential impact of this missense change (SIFT: "Deleterious"; PolyPhen-2: "Possibly Damaging"; Align-GVGD: "Class C15").

NM_001365536.1(SCN9A):c.3235T>G (p.Phe1079Val)

Genes: SCN9A (sodium voltage-gated channel alpha subunit 9; minus strand), SCN1A-AS1 (SCN1A and SCN9A antisense RNA 1; plus strand). Cytogenetic location: 2q24.3.
Variant type: single nucleotide variant.
Coding change: c.3235T>G on transcript NM_001365536.1 (MANE Select); coding-DNA position 3235, T replaced by G.
Protein change: p.Phe1079Val; replaces phenylalanine 1079 with valine.
Molecular consequence: missense variant.
Genome position (GRCh38, 1-based): chr2:166,272,515, A>C on the plus strand (T>G on the coding strand, the complement: SCN9A is on the minus strand). VCF-style: chr2-166272515-A-C. GRCh37 (hg19) VCF-style: chr2-167129025-A-C.
Other names: c.3202T>G, p.Phe1068Val (NM_002977.4); short protein forms F1068V, F1079V.
Identifiers: ClinVar variation 1003716 (VCV001003716.9), dbSNP rs1697040054, ClinGen allele CA349072961.